The following is an entry in ClinVar:

NM_001110556.2(FLNA):c.7941_7942del (p.Ter2648SerextTer?)

Genes: FLNA (filamin A; minus strand), LOC107988032 (Xq28 proximal FLNA-EMD recombination region; plus strand). Cytogenetic location: Xq28.
Variant type: Deletion.
Coding change: c.7941_7942del on transcript NM_001110556.2 (MANE Select); coding-DNA positions 7941 to 7942, 2 bases deleted (CT; older notation c.7941_7942delCT).
Protein change: p.Ter2648SerextTer?.
Molecular consequence: frameshift variant.
Genome position (GRCh38, 1-based): chrX:154,348,851-154,348,852, AG deleted on the plus strand (CT on the coding strand, the reverse complement: FLNA is on the minus strand). VCF-style (leftmost placement, unchanged base first): chrX-154348850-CAG-C. GRCh37 (hg19) VCF-style: chrX-153577218-CAG-C.
Other names: p.*2640Sext*100; c.7917_7918delCT (NM_001456.3); c.7917_7918del, p.Ter2640SerextTer? (NM_001456.4); c.7917_7918del (NM_001456.3).
Identifiers: ClinVar variation 213498 (VCV000213498.7), dbSNP rs863223636, ClinGen allele CA323004.

ClinVar aggregate classification (germline): Pathogenic/Likely pathogenic. Review status: criteria provided, multiple submitters, no conflicts (2 of 4 stars). 3 submissions from 3 submitters: Pathogenic (2); Likely pathogenic (1). Last evaluated 2025-07-13.

Conditions:
Oto-palato-digital syndrome, type II (OPD2). Also called: Otopalatodigital Syndrome, Type II; FACIOPALATOOSSEOUS SYNDROME; OPD II SYNDROME; Otopalatodigital Syndrome Type 2 (FLNA-OPD2). Identifiers: Orphanet 669, Orphanet 90652, MedGen C1844696, MONDO:0010571, OMIM 304120.
Frontometaphyseal dysplasia (FMD1). Identifiers: Orphanet 1826, MedGen C0265293, MONDO:0015942.
Heterotopia, periventricular, X-linked dominant (PVNH1). Also called: PERIVENTRICULAR NODULAR HETEROTOPIA 1; X-linked periventricular heterotopia; PERIVENTRICULAR NODULAR HETEROTOPIA 4; HETEROTOPIA, PERIVENTRICULAR, 1. Identifiers: Orphanet 2149, Orphanet 82004, MedGen C1848213, MONDO:0010233, OMIM 300049.
Melnick-Needles syndrome (MNS). Also called: MELNICK-NEEDLES OSTEODYSPLASTY; OSTEODYSPLASTY OF MELNICK AND NEEDLES; Melnick-Needles Syndrome (FLNA-MNS). Identifiers: Orphanet 2484, MedGen C0025237, MONDO:0010650, OMIM 309350.

Submissions (3):

Labcorp Genetics (formerly Invitae), Labcorp
Classification: Pathogenic for Oto-palato-digital syndrome, type II; Heterotopia, periventricular, X-linked dominant; Frontometaphyseal dysplasia; Melnick-Needles syndrome. Last evaluated: 2025-07-13. Review status: criteria provided, single submitter. Criteria: Invitae Variant Classification Sherloc (09022015). Collection method: clinical testing. Allele origin: germline.
Comment: This sequence change disrupts the translational stop signal of the FLNA mRNA. It is expected to extend the length of the FLNA protein by 100 additional amino acid residues. This variant is not present in population databases (gnomAD no frequency). This protein extension has been observed in individual(s) with bilateral periventricular heterotopia, congenital short bowel, and additional FLNA-related conditions (PMID: 23873601, 28428218). It has also been observed to segregate with disease in related individuals. This variant is also known as c.7941_7942delCT (p.2648Serext*100). ClinVar contains an entry for this variant (Variation ID: 213498). Studies have shown that this protein extension alters FLNA gene expression (PMID: 23873601, 28428218). For these reasons, this variant has been classified as Pathogenic.

GeneDx
Classification: Likely pathogenic. Last evaluated: 2024-08-12. Review status: criteria provided, single submitter. Criteria: GeneDx Variant Classification Process June 2021. Collection method: clinical testing. Allele origin: germline. Affected: yes.
Comment: Not observed at significant frequency in large population cohorts (gnomAD); Stop codon loss and change to a stop codon, leading to protein extension and the addition of 100 amino acids at the C-terminus in a gene for which protein extension is a known mechanism of disease; Also known as p.(Ter2648SerextTer101); This variant is associated with the following publications: (PMID: 28428218, 23873601)

Baylor Genetics
Classification: Pathogenic for Heterotopia, periventricular, X-linked dominant. Last evaluated: 2023-02-09. Review status: criteria provided, single submitter. Criteria: ACMG Guidelines, 2015. Collection method: clinical testing. Allele origin: unknown.

Literature cited by the submitters: PubMed 23873601 (cited by Labcorp Genetics (formerly Invitae), Labcorp); PubMed 28428218 (cited by Labcorp Genetics (formerly Invitae), Labcorp).